The following is an entry in ClinVar:

ClinVar aggregate classification (germline): Uncertain significance. Review status: criteria provided, multiple submitters, no conflicts (2 of 4 stars). 2 submissions from 2 submitters: Uncertain significance (2). Last evaluated 2024-06-25.

Conditions:
Charcot-Marie-Tooth disease type 2. Also called: Charcot-Marie-Tooth type 2. Identifiers: Orphanet 64746, MedGen C0270914, MONDO:0018993.
Congenital generalized lipodystrophy type 2 (CGL2). Also called: SEIP SYNDROME; BERARDINELLI SYNDROME; BRUNZELL SYNDROME, BSCL2-RELATED; Berardinelli-Seip Congenital Lipodystrophy Type 2. Identifiers: Orphanet 528, Orphanet 696289, MedGen C1720863, MONDO:0010020, OMIM 269700.
Severe neurodegenerative syndrome with lipodystrophy. Also called: ENCEPHALOPATHY, PROGRESSIVE, WITH LIPODYSTROPHY; Encephalopathy, progressive, with or without lipodystrophy. Identifiers: Orphanet 363400, MedGen C4014700, MONDO:0014402, OMIM 615924.
Hereditary spastic paraplegia 17. Also called: Silver spastic paraplegia syndrome; SPASTIC PARAPLEGIA WITH AMYOTROPHY OF HANDS AND FEET; Spastic Paraplegia 17; Autosomal dominant spastic paraplegia type 17; Silver Syndrome. Identifiers: Orphanet 100998, MedGen C2931276, MONDO:0010043, OMIM 270685.
Neuronopathy, distal hereditary motor, type 5C. Also called: NEURONOPATHY, DISTAL HEREDITARY MOTOR, AUTOSOMAL DOMINANT 13; DHMN VC; NEURONOPATHY, DISTAL HEREDITARY MOTOR, HARDING TYPE VC; NEUROPATHY, DISTAL HEREDITARY MOTOR, HARDING TYPE VC; SPINAL MUSCULAR ATROPHY, DISTAL, HARDING TYPE VC. Identifiers: MedGen C5436838, MONDO:0030860, OMIM 619112.

Allele frequency attached by ClinVar (database versions not stated): ExAC 0.00003; gnomAD 0.00001; gnomAD exomes 0.00001 and 0.00002; TOPMed 0.00001.
gnomAD v4.1: 38 of 1,613,724 alleles (0.0024%); highest among the groups gnomAD compares: African/African-American, 0.004%; no homozygotes.

Submissions (2):

Fulgent Genetics
Classification: Uncertain significance for Congenital generalized lipodystrophy type 2; Hereditary spastic paraplegia 17; Severe neurodegenerative syndrome with lipodystrophy; Neuronopathy, distal hereditary motor, type 5C. Last evaluated: 2024-06-25. Review status: criteria provided, single submitter. Criteria: ACMG Guidelines, 2015. Collection method: clinical testing. Allele origin: germline.

Labcorp Genetics (formerly Invitae), Labcorp
Classification: Uncertain significance for Charcot-Marie-Tooth disease type 2. Last evaluated: 2023-08-17. Review status: criteria provided, single submitter. Criteria: Invitae Variant Classification Sherloc (09022015). Collection method: clinical testing. Allele origin: germline.
Comment: This sequence change replaces glutamine, which is neutral and polar, with arginine, which is basic and polar, at codon 323 of the BSCL2 protein (p.Gln323Arg). This variant is present in population databases (rs779682500, gnomAD 0.003%). This missense change has been observed in individual(s) with clinical features of BSCL2-related conditions (Invitae). ClinVar contains an entry for this variant (Variation ID: 665085). Advanced modeling of protein sequence and biophysical properties (such as structural, functional, and spatial information, amino acid conservation, physicochemical variation, residue mobility, and thermodynamic stability) performed at Invitae indicates that this missense variant is not expected to disrupt BSCL2 protein function. In summary, the available evidence is currently insufficient to determine the role of this variant in disease. Therefore, it has been classified as a Variant of Uncertain Significance.

NM_001122955.4(BSCL2):c.1160A>G (p.Gln387Arg)

Genes: BSCL2 (BSCL2 lipid droplet biogenesis associated, seipin; minus strand), HNRNPUL2-BSCL2 (HNRNPUL2-BSCL2 readthrough (NMD candidate); minus strand). Cytogenetic location: 11q12.3.
Variant type: single nucleotide variant.
Coding change: c.1160A>G on transcript NM_001122955.4 (MANE Select); coding-DNA position 1160, A replaced by G.
Protein change: p.Gln387Arg; replaces glutamine 387 with arginine.
Molecular consequence: missense variant. On other transcripts: non-coding transcript variant (1).
Genome position (GRCh38, 1-based): chr11:62,690,686, T>C on the plus strand (A>G on the coding strand, the complement: BSCL2 is on the minus strand). VCF-style: chr11-62690686-T-C. GRCh37 (hg19) VCF-style: chr11-62458158-T-C.
Other names: c.826A>G, p.Ser276Gly (NM_001130702.2); c.1166A>G, p.Gln389Arg (NM_001386027.1); c.1160A>G, p.Gln387Arg (NM_001386028.1); c.968A>G, p.Gln323Arg (NM_032667.6); short protein forms Q387R, Q323R, S276G, Q389R.
Identifiers: ClinVar variation 665085 (VCV000665085.11), dbSNP rs779682500, ClinGen allele CA6053304.